The following is an entry in ClinVar:

NM_000404.4(GLB1):c.1444C>T (p.Arg482Cys)

Gene: GLB1 (galactosidase beta 1; minus strand). Cytogenetic location: 3p22.3.
Variant type: single nucleotide variant.
Coding change: c.1444C>T on transcript NM_000404.4 (MANE Select); coding-DNA position 1444, C replaced by T.
Protein change: p.Arg482Cys; replaces arginine 482 with cysteine.
Molecular consequence: missense variant.
Genome position (GRCh38, 1-based): chr3:33,016,744, G>A on the plus strand (C>T on the coding strand, the complement: GLB1 is on the minus strand). VCF-style: chr3-33016744-G-A. GRCh37 (hg19) VCF-style: chr3-33058236-G-A.
Other names: c.1444C>T (NM_000404.3); c.1354C>T, p.Arg452Cys (NM_001079811.3); c.1051C>T, p.Arg351Cys (NM_001135602.3); c.1588C>T, p.Arg530Cys (NM_001317040.2); c.1444C>T, p.Arg482Cys (NM_001393580.1); short protein forms R482C, R351C, R452C, R530C.
Identifiers: ClinVar variation 938 (VCV000000938.9), dbSNP rs72555365, ClinGen allele CA156185.
Genomic context (GRCh38, chr3:33,016,744, plus strand): 5'-GTCTTGACAGTGTGGTTTGTCCTACCTTAAAATCGTTGATATATGCACCATAGTTCACAC[G>A]TCCCATGTTCTCTACCAGAAGGTCCAGAGTGGCTCCAGCTTTCCCTGTTATGTTCAGAGT-3'
Protein context (NP_000395.3, residues 472-492): TLDLLVENMG[Arg482Cys]VNYGAYINDF

ClinVar aggregate classification (germline): Pathogenic/Likely pathogenic. Review status: criteria provided, multiple submitters, no conflicts (2 of 4 stars). 5 submissions from 5 submitters: Pathogenic (2); Likely pathogenic (1). 2 of the submissions do not count toward it. Last evaluated 2025-03-27.

Conditions:
Mucopolysaccharidosis, MPS-IV-B (MPS4B). Also called: MPS IVB; Mucopolysaccharidosis type IV B; Mucopolysaccharidosis Type IVB (Morquio B Disease); MORQUIO SYNDROME B; Mucopolysaccharidosis Type IVB; Mucopolysaccharidosis type 4B. Identifiers: Orphanet 309310, Orphanet 582, MedGen C0086652, MONDO:0009660, OMIM 253010.
GM1 gangliosidosis type 2. Also called: GANGLIOSIDOSIS, GENERALIZED GM1, JUVENILE TYPE; GANGLIOSIDOSIS, GENERALIZED GM1, TYPE II; Gangliosidosis, Generalized GM1, Type 2; Juvenile GM>1< gangliosidosis; GM1-GANGLIOSIDOSIS, TYPE II. Identifiers: Orphanet 354, Orphanet 79256, MedGen C0268272, MONDO:0009261, OMIM 230600.
Infantile GM1 gangliosidosis. Also called: GM1-gangliosidosis, type I; Gangliosidosis, generalized GM1, infantile form; GLB1 deficiency; Gangliosidosis, Generalized GM1, Type 1; GM1 gangliosidosis type 1. Identifiers: Orphanet 354, Orphanet 79255, MedGen C0268271, MONDO:0009260, OMIM 230500.
GM1 gangliosidosis type 3. Also called: GANGLIOSIDOSIS, GENERALIZED GM1, ADULT TYPE; GANGLIOSIDOSIS, GENERALIZED GM1, CHRONIC TYPE; GANGLIOSIDOSIS, GENERALIZED GM1, TYPE III; Gangliosidosis, Generalized GM1, Type 3; GM1-GANGLIOSIDOSIS, TYPE III; Beta-galactosidase deficiency. Identifiers: Orphanet 79257, MedGen C0268273, MONDO:0009262, OMIM 230650.
GM1 gangliosidosis. Identifiers: Orphanet 354, MedGen C0085131, MONDO:0018149.

Allele frequency attached by ClinVar (database versions not stated): gnomAD exomes 0.00001 and below 0.00001; TOPMed below 0.00001; gnomAD 0.00001.

Submissions (5):

Women's Health and Genetics/Laboratory Corporation of America, LabCorp
Classification: Pathogenic for Mucopolysaccharidosis, MPS-IV-B. Last evaluated: 2025-03-27. Review status: criteria provided, single submitter. Criteria: LabCorp Variant Classification Summary - May 2015. Collection method: clinical testing. Allele origin: germline.
Comment: Variant summary: GLB1 c.1444C>T (p.Arg482Cys) results in a non-conservative amino acid change in the encoded protein sequence. Five of five in-silico tools predict a damaging effect of the variant on protein function. The variant allele was found at a frequency of 4e-06 in 249586 control chromosomes. c.1444C>T has been reported in the literature in individuals affected with Mucopolysaccharidosis Type IVB (Morquio Syndrome B) (example, Dong_2021, Ishii_1995). These data indicate that the variant may be associated with disease. A different variant affecting the same codon has been classified as pathogenic by our lab (c.1445G>A, p.Arg482His), supporting the critical relevance of codon 482 to GLB1 protein function. At least one publication reports experimental evidence evaluating an impact on protein function. The most pronounced variant effect results in <3% of normal activity (Ishii_1995). The following publications have been ascertained in the context of this evaluation (PMID: 32005694, 7586649). ClinVar contains an entry for this variant (Variation ID: 938). Based on the evidence outlined above, the variant was classified as pathogenic.

Natera, Inc.
Classification: Likely pathogenic for Mucopolysaccharidosis, MPS-IV-B. Last evaluated: 2024-11-19. Review status: criteria provided, single submitter. Criteria: Natera Variant Classification Schema (03/2026). Collection method: clinical testing. Allele origin: germline.
Comment: The c.1444C>T variant in GLB1 is a missense variant predicted to cause substitution of arginine to cysteine at amino acid 482. This variant is rare in the general population with a frequency below the threshold expected for the associated phenotype(s). This variant has been observed in one or more individuals affected with the associated recessive disease, as either homozygous or compound heterozygous with a second variant (PMID: 32005694). Functional studies show that this variant may disrupt protein function (PMID: 23337983). A different variant at the same position has been determined to be Pathogenic or Likely Pathogenic. Computational prediction algorithms indicate this variant is likely to affect gene or protein function. Given the available evidence, this variant is classified as Likely Pathogenic.

Labcorp Genetics (formerly Invitae), Labcorp
Classification: Pathogenic for Mucopolysaccharidosis, MPS-IV-B; GM1 gangliosidosis. Last evaluated: 2024-01-05. Review status: criteria provided, single submitter. Criteria: Invitae Variant Classification Sherloc (09022015). Collection method: clinical testing. Allele origin: germline.
Comment: This sequence change replaces arginine, which is basic and polar, with cysteine, which is neutral and slightly polar, at codon 482 of the GLB1 protein (p.Arg482Cys). This variant is present in population databases (rs72555365, gnomAD 0.01%). This missense change has been observed in individual(s) with GLB1-related conditions (PMID: 7586649). ClinVar contains an entry for this variant (Variation ID: 938). Advanced modeling of protein sequence and biophysical properties (such as structural, functional, and spatial information, amino acid conservation, physicochemical variation, residue mobility, and thermodynamic stability) performed at Invitae indicates that this missense variant is expected to disrupt GLB1 protein function with a positive predictive value of 95%. Experimental studies have shown that this missense change affects GLB1 function (PMID: 7586649). This variant disrupts the p.Arg482 amino acid residue in GLB1. Other variant(s) that disrupt this residue have been determined to be pathogenic (PMID: 1928092, 15943552). This suggests that this residue is clinically significant, and that variants that disrupt this residue are likely to be disease-causing. For these reasons, this variant has been classified as Pathogenic.

Counsyl
Classification: Uncertain significance for Infantile GM1 gangliosidosis; GM1 gangliosidosis type 2; GM1 gangliosidosis type 3; Mucopolysaccharidosis, MPS-IV-B. Last evaluated: 2017-03-03. Review status: no assertion criteria provided. Collection method: clinical testing. Allele origin: unknown. Not counted in ClinVar's aggregate classification.

OMIM
Classification: Pathogenic for MUCOPOLYSACCHARIDOSIS, TYPE IVB. Last evaluated: 1995-08-01. Review status: no assertion criteria provided. Collection method: literature only. Allele origin: germline. Not counted in ClinVar's aggregate classification.

Literature cited by the submitters: PubMed 32005694 (cited by Women's Health and Genetics/Laboratory Corporation of America, LabCorp and Natera, Inc.); PubMed 7586649 (cited by 4 submitters); PubMed 23337983 (cited by Natera, Inc.); PubMed 1928092 (cited by Labcorp Genetics (formerly Invitae), Labcorp); PubMed 15943552 (cited by Labcorp Genetics (formerly Invitae), Labcorp); PubMed 22128166 (cited by Counsyl).